The following is an entry in ClinVar:

ClinVar aggregate classification (germline): Uncertain significance (1 of 4 stars; one submission).

Conditions:
Rubinstein-Taybi syndrome due to EP300 haploinsufficiency. Also called: EP300-Related Rubinstein-Taybi Syndrome; RUBINSTEIN-TAYBI SYNDROME 2. Identifiers: Orphanet 353284, Orphanet 783, MedGen C3150941, MONDO:0013364, OMIM 613684.

Submission:

Labcorp Genetics (formerly Invitae), Labcorp
Classification: Uncertain significance for Rubinstein-Taybi syndrome due to EP300 haploinsufficiency. Last evaluated: 2022-02-05. Review status: criteria provided, single submitter. Criteria: Invitae Variant Classification Sherloc (09022015). Collection method: clinical testing. Allele origin: germline.
Comment: In summary, the available evidence is currently insufficient to determine the role of this variant in disease. Therefore, it has been classified as a Variant of Uncertain Significance. Advanced modeling of protein sequence and biophysical properties (such as structural, functional, and spatial information, amino acid conservation, physicochemical variation, residue mobility, and thermodynamic stability) performed at Invitae indicates that this missense variant is not expected to disrupt EP300 protein function. ClinVar contains an entry for this variant (Variation ID: 1019099). This variant has not been reported in the literature in individuals affected with EP300-related conditions. This variant is not present in population databases (gnomAD no frequency). This sequence change replaces proline, which is neutral and non-polar, with serine, which is neutral and polar, at codon 1060 of the EP300 protein (p.Pro1060Ser).

NM_001429.4(EP300):c.3178C>T (p.Pro1060Ser)

Gene: EP300 (EP300 lysine acetyltransferase; plus strand). Cytogenetic location: 22q13.2.
Variant type: single nucleotide variant.
Coding change: c.3178C>T on transcript NM_001429.4 (MANE Select); coding-DNA position 3178, C replaced by T.
Protein change: p.Pro1060Ser; replaces proline 1060 with serine.
Molecular consequence: missense variant.
Genome position (GRCh38, 1-based): chr22:41,155,030, C>T. VCF-style: chr22-41155030-C-T. GRCh37 (hg19) VCF-style: chr22-41551034-C-T.
Other names: c.3100C>T, p.Pro1034Ser (NM_001362843.2); short protein forms P1034S, P1060S.
Identifiers: ClinVar variation 1019099 (VCV001019099.11), dbSNP rs2059069019, ClinGen allele CA411693835.